The following is an entry in ClinVar:

NM_006343.3(MERTK):c.1060A>G (p.Asn354Asp)

Genes: MERTK (MER proto-oncogene, tyrosine kinase; plus strand), LOC112806037 (Sharpr-MPRA regulatory region 3720; plus strand). Cytogenetic location: 2q13.
Variant type: single nucleotide variant.
Coding change: c.1060A>G on transcript NM_006343.3 (MANE Select); coding-DNA position 1060, A replaced by G.
Protein change: p.Asn354Asp; replaces asparagine 354 with aspartic acid.
Molecular consequence: missense variant.
Genome position (GRCh38, 1-based): chr2:111,975,388, A>G. VCF-style: chr2-111975388-A-G. GRCh37 (hg19) VCF-style: chr2-112732965-A-G.
Other names: short protein forms N354D.
Identifiers: ClinVar variation 1490069 (VCV001490069.8), dbSNP rs2104733881, ClinGen allele CA348233552.
Genomic context (GRCh38, chr2:111,975,388, plus strand): 5'-ATTTTTAACACCTCTGCCTTACCACATCTGTACCAAATCAAGCAGCTGCAAGCCCTGGCT[A>G]ATTACAGCATTGGTGTTTCCTGCATGAATGAAATAGGCTGGTCTGCAGTGAGCCCTTGGA-3'
Protein context (NP_006334.2, residues 344-364): YQIKQLQALA[Asn354Asp]YSIGVSCMNE

ClinVar aggregate classification (germline): Uncertain significance (1 of 4 stars; one submission).

Allele frequency attached by ClinVar (database versions not stated): gnomAD exomes below 0.00001.

Submission:

Labcorp Genetics (formerly Invitae), Labcorp
Classification: Uncertain significance. Last evaluated: 2021-03-23. Review status: criteria provided, single submitter. Criteria: Invitae Variant Classification Sherloc (09022015). Collection method: clinical testing. Allele origin: germline.
Comment: In summary, the available evidence is currently insufficient to determine the role of this variant in disease. Therefore, it has been classified as a Variant of Uncertain Significance. Algorithms developed to predict the effect of missense changes on protein structure and function are either unavailable or do not agree on the potential impact of this missense change (SIFT: "Deleterious"; PolyPhen-2: "Benign"; Align-GVGD: "Class C15"). This variant has not been reported in the literature in individuals with MERTK-related conditions. This variant is not present in population databases (ExAC no frequency). This sequence change replaces asparagine with aspartic acid at codon 354 of the MERTK protein (p.Asn354Asp). The asparagine residue is highly conserved and there is a small physicochemical difference between asparagine and aspartic acid.